The following is an entry in ClinVar:

ClinVar aggregate classification (germline): Likely pathogenic. Review status: criteria provided, multiple submitters, no conflicts (2 of 4 stars). 2 submissions from 2 submitters: Likely pathogenic (2). Last evaluated 2023-05-05.

Conditions:
COL1A1-related disorder. Also called: COL1A1- related disease; COL1A1-related condition.

Submissions (2):

PreventionGenetics, part of Exact Sciences
Classification: Likely pathogenic for COL1A1-related condition. Last evaluated: 2023-05-05. Review status: criteria provided, single submitter. Criteria: ACMG Guidelines, 2015. Collection method: clinical testing. Allele origin: germline.
Comment: The COL1A1 c.4067G>T variant is predicted to result in the amino acid substitution p.Arg1356Leu. To our knowledge, this variant has not been reported in the literature or in a large population database, indicating this variant is rare. In ClinVar, this variant was reported as de novo likely pathogenic in one case, however no phenotypic information was provided. In summary, this variant is interpreted as likely pathogenic.

Athena Diagnostics
Classification: Likely pathogenic. Last evaluated: 2019-10-30. Review status: criteria provided, single submitter. Criteria: Athena Diagnostics Criteria. Collection method: clinical testing. Allele origin: unknown.
Comment: Not found in the total gnomAD dataset, and the data is high quality. Predicted to have a damaging effect on the protein.

NM_000088.4(COL1A1):c.4067G>T (p.Arg1356Leu)

Gene: COL1A1 (collagen type I alpha 1 chain; minus strand). Cytogenetic location: 17q21.33.
Variant type: single nucleotide variant.
Coding change: c.4067G>T on transcript NM_000088.4 (MANE Select); coding-DNA position 4067, G replaced by T.
Protein change: p.Arg1356Leu; replaces arginine 1356 with leucine.
Molecular consequence: missense variant.
Genome position (GRCh38, 1-based): chr17:50,185,959, C>A on the plus strand (G>T on the coding strand, the complement: COL1A1 is on the minus strand). VCF-style: chr17-50185959-C-A. GRCh37 (hg19) VCF-style: chr17-48263320-C-A.
Other names: short protein forms R1356L.
Identifiers: ClinVar variation 995279 (VCV000995279.2), dbSNP rs149820303, ClinGen allele CA400192507.
Genomic context (GRCh38, chr17:50,185,959, plus strand): 5'-TAGGCCACGCTGTTCTTGCAGTGGTAGGTGATGTTCTGGGAGGCCTCGGTGGACATCAGG[C>A]GCAGGAAGGTCAGCTGGATGGCCACATCGGCAGGGTCGGAGCCCTGGCCGCCATACTCGA-3'
Protein context (NP_000079.2, residues 1346-1366): ADVAIQLTFL[Arg1356Leu]LMSTEASQNI